The following is an entry in ClinVar:

ClinVar aggregate classification (germline): Uncertain significance (1 of 4 stars; one submission).

Conditions:
Sclerosteosis 2 (SOST2). Identifiers: Orphanet 3152, MedGen C3280402, MONDO:0013679, OMIM 614305.
Congenital myasthenic syndrome 17. Identifiers: Orphanet 590, MedGen C4225377, MONDO:0014578, OMIM 616304.
Cenani-Lenz syndactyly syndrome. Also called: CENANI SYNDACTYLISM; SYNDACTYLY, TYPE VII. Identifiers: Orphanet 3258, MedGen C1859309, MONDO:0008931, OMIM 212780.

Allele frequency attached by ClinVar (database versions not stated): gnomAD 0.00001; gnomAD exomes 0.00001 and 0.00003; ExAC 0.00002; TOPMed 0.00002.

Submission:

Labcorp Genetics (formerly Invitae), Labcorp
Classification: Uncertain significance for Cenani-Lenz syndactyly syndrome; Sclerosteosis 2; Congenital myasthenic syndrome 17. Last evaluated: 2022-08-09. Review status: criteria provided, single submitter. Criteria: Invitae Variant Classification Sherloc (09022015). Collection method: clinical testing. Allele origin: germline.
Comment: This sequence change replaces threonine, which is neutral and polar, with methionine, which is neutral and non-polar, at codon 1143 of the LRP4 protein (p.Thr1143Met). This variant is present in population databases (rs751933622, gnomAD 0.005%). This variant has not been reported in the literature in individuals affected with LRP4-related conditions. ClinVar contains an entry for this variant (Variation ID: 535803). Algorithms developed to predict the effect of missense changes on protein structure and function are either unavailable or do not agree on the potential impact of this missense change (SIFT: "Tolerated"; PolyPhen-2: "Probably Damaging"; Align-GVGD: "Class C0"). In summary, the available evidence is currently insufficient to determine the role of this variant in disease. Therefore, it has been classified as a Variant of Uncertain Significance.

NM_002334.4(LRP4):c.3428C>T (p.Thr1143Met)

Gene: LRP4 (LDL receptor related protein 4; minus strand). Cytogenetic location: 11p11.2.
Variant type: single nucleotide variant.
Coding change: c.3428C>T on transcript NM_002334.4 (MANE Select); coding-DNA position 3428, C replaced by T.
Protein change: p.Thr1143Met; replaces threonine 1143 with methionine.
Molecular consequence: missense variant.
Genome position (GRCh38, 1-based): chr11:46,876,574, G>A on the plus strand (C>T on the coding strand, the complement: LRP4 is on the minus strand). VCF-style: chr11-46876574-G-A. GRCh37 (hg19) VCF-style: chr11-46898125-G-A.
Other names: short protein forms T1143M.
Identifiers: ClinVar variation 535803 (VCV000535803.8), dbSNP rs751933622, ClinGen allele CA5969598.
Genomic context (GRCh38, chr11:46,876,574, plus strand): 5'-CACACCAACACTTTCCGCATGGACCCGTCCAGGTTGCCCACTTCAATCCGGTTTGTTCCC[G>A]TGTCTGTCCAGTATACTTTCCGGCCAATGGCATCAACCGCGAGCCCATCTGTGGTCTGTA-3'
Protein context (NP_002325.2, residues 1133-1153): AIGRKVYWTD[Thr1143Met]GTNRIEVGNL